The following is an entry in ClinVar:

ClinVar aggregate classification (germline): Uncertain significance. Review status: criteria provided, multiple submitters, no conflicts (2 of 4 stars). 6 submissions from 6 submitters: Uncertain significance (6). Last evaluated 2025-06-27.

Conditions:
COL3A1-related disorder. Also called: COL3A1-related condition.
Familial thoracic aortic aneurysm and aortic dissection (TAAD). Also called: Thoracic aortic aneurysms and dissections. Identifiers: Orphanet 91387, MedGen C4707243, MONDO:0019625.
Ehlers-Danlos syndrome, type 4 (EDSVASC). Also called: Ehlers-Danlos syndrome vascular type; Ehlers Danlos syndrome, ecchymotic type; Ehlers Danlos syndrome, arterial type; Ehlers Danlos syndrome, Sack-Barabas type; Ehlers-Danlos Syndrome Type IV. Identifiers: Orphanet 286, MedGen C0268338, MONDO:0017314, OMIM 130050.

Allele frequency attached by ClinVar (database versions not stated): gnomAD exomes below 0.00001; ESP Exome Variant Server 0.00008.

Submissions (6):

Labcorp Genetics (formerly Invitae), Labcorp
Classification: Uncertain significance for Ehlers-Danlos syndrome, type 4. Last evaluated: 2025-06-27. Review status: criteria provided, single submitter. Criteria: Invitae Variant Classification Sherloc (09022015). Collection method: clinical testing. Allele origin: germline.
Comment: This sequence change replaces glutamic acid, which is acidic and polar, with lysine, which is basic and polar, at codon 433 of the COL3A1 protein (p.Glu433Lys). This variant is not present in population databases (gnomAD no frequency). This variant has not been reported in the literature in individuals affected with COL3A1-related conditions. ClinVar contains an entry for this variant (Variation ID: 459760). Invitae Evidence Modeling of protein sequence and biophysical properties (such as structural, functional, and spatial information, amino acid conservation, physicochemical variation, residue mobility, and thermodynamic stability) indicates that this missense variant is not expected to disrupt COL3A1 protein function with a negative predictive value of 95%. In summary, the available evidence is currently insufficient to determine the role of this variant in disease. Therefore, it has been classified as a Variant of Uncertain Significance.

PreventionGenetics, part of Exact Sciences
Classification: Uncertain significance for COL3A1-related condition. Last evaluated: 2025-01-03. Review status: criteria provided, single submitter. Criteria: ACMG Guidelines, 2015. Collection method: clinical testing. Allele origin: germline.
Comment: The COL3A1 c.1297G>A variant is predicted to result in the amino acid substitution p.Glu433Lys. To our knowledge, this variant has not been reported in the literature. This variant is reported in 0.00088% of alleles in individuals of European (Non-Finnish) descent in gnomAD. At this time, the clinical significance of this variant is uncertain due to the absence of conclusive functional and genetic evidence.

CeGaT Center for Human Genetics Tuebingen
Classification: Uncertain significance. Last evaluated: 2024-11-01. Review status: criteria provided, single submitter. Criteria: CeGaT Center For Human Genetics Tuebingen Variant Classification Criteria Version 2. Collection method: clinical testing. Allele origin: germline. Affected: yes. Observed: 1 variant allele.
Comment: COL3A1: PM2

Color Diagnostics, LLC DBA Color Health
Classification: Uncertain significance for Familial thoracic aortic aneurysm and aortic dissection. Last evaluated: 2024-03-06. Review status: criteria provided, single submitter. Criteria: ACMG Guidelines, 2015. Collection method: clinical testing. Allele origin: germline.
Comment: This missense variant replaces glutamic acid with lysine at codon 433 of the COL3A1 protein. Computational prediction suggests that this variant may not impact protein structure and function (internally defined REVEL score threshold <= 0.5, PMID: 27666373). Splice site prediction tools suggest that this variant may not impact RNA splicing. To our knowledge, functional studies have not been performed for this variant. This variant has not been reported in individuals affected with cardiovascular disorders in the literature. This variant has been identified in 1/251088 chromosomes in the general population by the Genome Aggregation Database (gnomAD). The available evidence is insufficient to determine the role of this variant in disease conclusively. Therefore, this variant is classified as a Variant of Uncertain Significance.

Women's Health and Genetics/Laboratory Corporation of America, LabCorp
Classification: Uncertain significance. Last evaluated: 2023-12-04. Review status: criteria provided, single submitter. Criteria: LabCorp Variant Classification Summary - May 2015. Collection method: clinical testing. Allele origin: germline.
Comment: Variant summary: COL3A1 c.1297G>A (p.Glu433Lys) results in a conservative amino acid change in the encoded protein sequence. Four of five in-silico tools predict a benign effect of the variant on protein function. The variant allele was found at a frequency of 4e-06 in 251088 control chromosomes (i.e., 1 heterozygote; gnomAD v2.1.1 Exomes dataset). The available data on variant occurrences in the general population are insufficient to allow any conclusion about variant significance. c.1297G>A has been reported in the literature in at least one individual with a classic Ehlers-Danlos Syndrome phenotype and a positive family history for aneurysm (e.g., Rusinova_2021 (no PMID, meeting abstract)). These data do not allow any conclusion about variant significance. To our knowledge, no experimental evidence demonstrating an impact on protein function has been reported. Three submitters have reported clinical-significance assessments for this variant to ClinVar after 2014. All submitters classified the variant as uncertain significance. Based on the evidence outlined above, the variant was classified as uncertain significance.

GeneDx
Classification: Uncertain significance. Last evaluated: 2022-12-14. Review status: criteria provided, single submitter. Criteria: GeneDx Variant Classification Process June 2021. Collection method: clinical testing. Allele origin: germline. Affected: yes.
Comment: Has not been previously published as pathogenic or benign to our knowledge; Not observed at significant frequency in large population cohorts (gnomAD); In silico analysis supports that this missense variant has a deleterious effect on protein structure/function; Occurs in the triple helical domain at the X position in the canonical Gly-X-Y repeat; although this variant may have an effect on normal protein folding and function, missense substitution at the X position is not a common mechanism of disease (HGMD)

NM_000090.4(COL3A1):c.1297G>A (p.Glu433Lys)

Gene: COL3A1 (collagen type III alpha 1 chain; plus strand). Cytogenetic location: 2q32.2.
Variant type: single nucleotide variant.
Coding change: c.1297G>A on transcript NM_000090.4 (MANE Select); coding-DNA position 1297, G replaced by A.
Protein change: p.Glu433Lys; replaces glutamic acid 433 with lysine.
Molecular consequence: missense variant.
Genome position (GRCh38, 1-based): chr2:188,994,544, G>A. VCF-style: chr2-188994544-G-A. GRCh37 (hg19) VCF-style: chr2-189859270-G-A.
Other names: short protein forms E433K.
Identifiers: ClinVar variation 459760 (VCV000459760.29), dbSNP rs150670470, ClinGen allele CA62595677.
Genomic context (GRCh38, chr2:188,994,544, plus strand): 5'-GATGATTTGTTAGTCGAATCCTCCCTGTGTTTCAACCAAGACTTTGTTATACTTTAGGGT[G>A]AGCCTGGTAAGAATGGTGCCAAAGGAGAGCCCGGACCACGTGGTGAACGCGTAAGTTTTA-3'
Protein context (NP_000081.2, residues 423-443): GAPGLRGGAG[Glu433Lys]PGKNGAKGEP